The following is an entry in ClinVar:

ClinVar aggregate classification (germline): Conflicting classifications of pathogenicity. Review status: criteria provided, conflicting classifications (1 of 4 stars). 5 submissions from 5 submitters: Likely pathogenic (1); Uncertain significance (4). Last evaluated 2025-08-15.

Conditions:
Hereditary cancer-predisposing syndrome. Also called: Tumor predisposition; Hereditary Cancer Syndrome; Hereditary neoplastic syndrome; Neoplastic Syndromes, Hereditary. Identifiers: Orphanet 140162, MedGen C0027672, MeSH D009386, MONDO:0015356.
Familial adenomatous polyposis 2. Also called: FAP type 2; MUTYH Polyposis; COLORECTAL ADENOMATOUS POLYPOSIS, AUTOSOMAL RECESSIVE; ADENOMAS, MULTIPLE COLORECTAL, AUTOSOMAL RECESSIVE; MUTYH-associated polyposis; MUTYH-related attenuated familial adenomatous polyposis. Identifiers: Orphanet 220460, Orphanet 247798, MedGen C3272841, MONDO:0012041, OMIM 608456.

Allele frequency attached by ClinVar (database versions not stated): gnomAD exomes below 0.00001; gnomAD 0.00001; TOPMed 0.00001.
gnomAD v4.1: 3 of 1,608,692 alleles (0.00019%); highest among the groups gnomAD compares: African/African-American, 0.0027%; no homozygotes.

Submissions (5):

Ambry Genetics
Classification: Likely pathogenic for Hereditary cancer-predisposing syndrome. Last evaluated: 2025-08-15. Review status: criteria provided, single submitter. Criteria: Ambry Variant Classification Scheme 2023. Collection method: clinical testing. Allele origin: germline.
Comment: The p.F494S variant (also known as c.1481T>C), located in coding exon 15 of the MUTYH gene, results from a T to C substitution at nucleotide position 1481. The phenylalanine at codon 494 is replaced by serine, an amino acid with highly dissimilar properties. In a massively parallel cell-based functional assay testing 7,8-dihydro-8-oxoguanine:adenine (8OG:A) repair activity, a byproduct of oxidative damage, this variant was reported to be non-functional (Hemker SL et al. Am J Hum Genet. Published online July 29, 2025. DOI: 10.1016/j.ajhg.2025.07.005). This amino acid position is highly conserved in available vertebrate species. In addition, this alteration is predicted to be deleterious by in silico analysis. Based on the majority of available evidence to date, this variant is likely to be pathogenic.

Labcorp Genetics (formerly Invitae), Labcorp
Classification: Uncertain significance for Familial adenomatous polyposis 2. Last evaluated: 2024-03-27. Review status: criteria provided, single submitter. Criteria: Invitae Variant Classification Sherloc (09022015). Collection method: clinical testing. Allele origin: germline.
Comment: This sequence change replaces phenylalanine, which is neutral and non-polar, with serine, which is neutral and polar, at codon 494 of the MUTYH protein (p.Phe494Ser). The frequency data for this variant in the population databases is considered unreliable, as metrics indicate poor data quality at this position in the gnomAD database. This variant has not been reported in the literature in individuals affected with MUTYH-related conditions. ClinVar contains an entry for this variant (Variation ID: 819336). An algorithm developed to predict the effect of missense changes on protein structure and function (PolyPhen-2) suggests that this variant is likely to be disruptive. In summary, the available evidence is currently insufficient to determine the role of this variant in disease. Therefore, it has been classified as a Variant of Uncertain Significance.

All of Us Research Program, National Institutes of Health
Classification: Uncertain significance for Familial adenomatous polyposis 2. Last evaluated: 2023-12-13. Review status: criteria provided, single submitter. Criteria: ACMG Guidelines, 2015. Collection method: clinical testing. Allele origin: germline. Inheritance: Autosomal recessive inheritance. Observed: 1 variant allele, 1 heterozygote.
Comment: This missense variant replaces phenylalanine with serine at codon 494 of the MUTYH protein. Computational prediction suggests that this variant may have deleterious impact on protein structure and function (internally defined REVEL score threshold >= 0.7, PMID: 27666373). To our knowledge, functional studies have not been reported for this variant. This variant has not been reported in individuals affected with MUTYH-related disorders in the literature. This variant has been identified in 2/272334 chromosomes in the general population by the Genome Aggregation Database (gnomAD). The available evidence is insufficient to determine the role of this variant in disease conclusively. Therefore, this variant is classified as a Variant of Uncertain Significance.

This study involves interpretation of variants in research participants for the purpose of population health screening. Participant phenotype was not available at the time of variant classification. Additional details can be found in publication PMID: 35346344, PMCID: PMC8962531

Baylor Genetics
Classification: Uncertain significance for Familial adenomatous polyposis 2. Last evaluated: 2023-01-24. Review status: criteria provided, single submitter. Criteria: ACMG Guidelines, 2015. Collection method: clinical testing. Allele origin: unknown.

GeneDx
Classification: Uncertain significance. Last evaluated: 2021-03-08. Review status: criteria provided, single submitter. Criteria: GeneDx Variant Classification Process June 2021. Collection method: clinical testing. Allele origin: germline. Affected: yes.
Comment: Not observed at a significant frequency in large population cohorts (Lek 2016); In silico analysis supports that this missense variant has a deleterious effect on protein structure/function; Has not been previously published as pathogenic or benign to our knowledge

Literature cited by the submitters: PubMed 40738107 (cited by Ambry Genetics).

NM_001048174.2(MUTYH):c.1397T>C (p.Phe466Ser)

Gene: MUTYH (mutY DNA glycosylase; minus strand). Cytogenetic location: 1p34.1.
Variant type: single nucleotide variant.
Coding change: c.1397T>C on transcript NM_001048174.2 (MANE Select); coding-DNA position 1397, T replaced by C.
Protein change: p.Phe466Ser; replaces phenylalanine 466 with serine.
Molecular consequence: missense variant. On other transcripts: non-coding transcript variant (2).
Genome position (GRCh38, 1-based): chr1:45,330,553, A>G on the plus strand (T>C on the coding strand, the complement: MUTYH is on the minus strand). VCF-style: chr1-45330553-A-G. GRCh37 (hg19) VCF-style: chr1-45796225-A-G.
Other names: c.1397T>C, p.Phe466Ser (NM_001048171.2, NM_001048173.2, NM_001293195.2); c.1400T>C, p.Phe467Ser (NM_001048172.2); c.1481T>C, p.Phe494Ser (NM_001128425.2); c.1442T>C, p.Phe481Ser (NM_001293190.2); c.1430T>C, p.Phe477Ser (NM_001293191.2); c.1121T>C, p.Phe374Ser (NM_001293192.2, NM_001293196.2); c.1052T>C, p.Phe351Ser (NM_001350650.2, NM_001350651.2); c.1472T>C, p.Phe491Ser (NM_012222.3); short protein forms F374S, F466S, F477S, F481S, F491S, F494S, F351S, F467S.
Identifiers: ClinVar variation 819336 (VCV000819336.13), dbSNP rs1394044603, ClinGen allele CA340132406.